The following is an entry in ClinVar:

NM_177438.3(DICER1):c.1984A>G (p.Thr662Ala)

Gene: DICER1 (dicer 1, ribonuclease III; minus strand). Cytogenetic location: 14q32.13.
Variant type: single nucleotide variant.
Coding change: c.1984A>G on transcript NM_177438.3 (MANE Select); coding-DNA position 1984, A replaced by G.
Protein change: p.Thr662Ala; replaces threonine 662 with alanine.
Molecular consequence: missense variant.
Genome position (GRCh38, 1-based): chr14:95,113,148, T>C on the plus strand (A>G on the coding strand, the complement: DICER1 is on the minus strand). VCF-style: chr14-95113148-T-C. GRCh37 (hg19) VCF-style: chr14-95579485-T-C.
Other names: c.1984A>G, p.Thr662Ala (NM_001271282.3, NM_001291628.2, NM_030621.4 and 1 more transcripts); short protein forms T662A.
Identifiers: ClinVar variation 1416644 (VCV001416644.11), dbSNP rs1163780413, ClinGen allele CA390883279.

ClinVar aggregate classification (germline): Uncertain significance. Review status: criteria provided, multiple submitters, no conflicts (2 of 4 stars). 2 submissions from 2 submitters: Uncertain significance (2). Last evaluated 2025-03-24.

Conditions:
Hereditary cancer-predisposing syndrome. Also called: Hereditary neoplastic syndrome; Neoplastic Syndromes, Hereditary; Hereditary Cancer Syndrome; Tumor predisposition. Identifiers: Orphanet 140162, MedGen C0027672, MeSH D009386, MONDO:0015356.
DICER1-related tumor predisposition. Also called: DICER1-related pleuropulmonary blastoma cancer predisposition syndrome; DICER1 syndrome. Identifiers: Orphanet 284343, MedGen C3839822, MONDO:0100216.

Allele frequency attached by ClinVar (database versions not stated): gnomAD exomes below 0.00001; TOPMed below 0.00001; gnomAD 0.00001.

Submissions (2):

Labcorp Genetics (formerly Invitae), Labcorp
Classification: Uncertain significance for DICER1-related tumor predisposition. Last evaluated: 2025-03-24. Review status: criteria provided, single submitter. Criteria: Invitae Variant Classification Sherloc (09022015). Collection method: clinical testing. Allele origin: germline.
Comment: This sequence change replaces threonine, which is neutral and polar, with alanine, which is neutral and non-polar, at codon 662 of the DICER1 protein (p.Thr662Ala). This variant is not present in population databases (gnomAD no frequency). This variant has not been reported in the literature in individuals affected with DICER1-related conditions. ClinVar contains an entry for this variant (Variation ID: 1416644). Invitae Evidence Modeling of protein sequence and biophysical properties (such as structural, functional, and spatial information, amino acid conservation, physicochemical variation, residue mobility, and thermodynamic stability) indicates that this missense variant is not expected to disrupt DICER1 protein function with a negative predictive value of 95%. In summary, the available evidence is currently insufficient to determine the role of this variant in disease. Therefore, it has been classified as a Variant of Uncertain Significance.

Ambry Genetics
Classification: Uncertain significance for Hereditary cancer-predisposing syndrome. Last evaluated: 2023-04-03. Review status: criteria provided, single submitter. Criteria: Ambry Variant Classification Scheme 2023. Collection method: clinical testing. Allele origin: germline.
Comment: The p.T662A variant (also known as c.1984A>G), located in coding exon 11 of the DICER1 gene, results from an A to G substitution at nucleotide position 1984. The threonine at codon 662 is replaced by alanine, an amino acid with similar properties. This amino acid position is well conserved in available vertebrate species. In addition, this alteration is predicted to be tolerated by in silico analysis. Since supporting evidence is limited at this time, the clinical significance of this alteration remains unclear.